The following is an entry in ClinVar:

NM_005901.6(SMAD2):c.1380A>G (p.Ser460=)

Gene: SMAD2 (SMAD family member 2; minus strand). Cytogenetic location: 18q21.1.
Variant type: single nucleotide variant.
Coding change: c.1380A>G on transcript NM_005901.6 (MANE Select); coding-DNA position 1380, A replaced by G.
Protein change: p.Ser460=; no amino-acid change (serine 460 retained).
Molecular consequence: synonymous variant.
Genome position (GRCh38, 1-based): chr18:47,841,851, T>C on the plus strand (A>G on the coding strand, the complement: SMAD2 is on the minus strand). VCF-style: chr18-47841851-T-C. GRCh37 (hg19) VCF-style: chr18-45368222-T-C.
Other names: c.1380A>G, p.Ser460= (NM_001003652.4); c.1290A>G, p.Ser430= (NM_001135937.3).
Identifiers: ClinVar variation 2710734 (VCV002710734.3), dbSNP rs1913983407, ClinGen allele CA503924581.

ClinVar aggregate classification (germline): Uncertain significance (1 of 4 stars; one submission).

Allele frequency attached by ClinVar (database versions not stated): gnomAD 0.00001.
gnomAD v4.1: 1 of 1,614,086 alleles (0.000062%); highest among the groups gnomAD compares: Admixed American, 0.0017%; no homozygotes.

Submission:

Labcorp Genetics (formerly Invitae), Labcorp
Classification: Uncertain significance. Last evaluated: 2025-06-04. Review status: criteria provided, single submitter. Criteria: Invitae Variant Classification Sherloc (09022015). Collection method: clinical testing. Allele origin: germline.
Comment: This sequence change affects codon 460 of the SMAD2 mRNA. It is a 'silent' change, meaning that it does not change the encoded amino acid sequence of the SMAD2 protein. This variant is not present in population databases (gnomAD no frequency). This variant has not been reported in the literature in individuals affected with SMAD2-related conditions. ClinVar contains an entry for this variant (Variation ID: 2710734). Algorithms developed to predict the effect of sequence changes on RNA splicing suggest that this variant may create or strengthen a splice site. In summary, the available evidence is currently insufficient to determine the role of this variant in disease. Therefore, it has been classified as a Variant of Uncertain Significance.